The following is an entry in ClinVar:

ClinVar aggregate classification (germline): Uncertain significance (1 of 4 stars; one submission).

Submission:

GeneDx
Classification: Uncertain significance. Last evaluated: 2023-03-24. Review status: criteria provided, single submitter. Criteria: GeneDx Variant Classification Process June 2021. Collection method: clinical testing. Allele origin: germline. Affected: yes.
Comment: Not observed at significant frequency in large population cohorts (gnomAD); In silico analysis supports that this missense variant has a deleterious effect on protein structure/function; Has not been previously published as pathogenic or benign to our knowledge

NM_001458.5(FLNC):c.4243G>A (p.Gly1415Arg)

Gene: FLNC (filamin C; plus strand). Cytogenetic location: 7q32.1.
Variant type: single nucleotide variant.
Coding change: c.4243G>A on transcript NM_001458.5 (MANE Select); coding-DNA position 4243, G replaced by A.
Protein change: p.Gly1415Arg; replaces glycine 1415 with arginine.
Molecular consequence: missense variant.
Genome position (GRCh38, 1-based): chr7:128,846,860, G>A. VCF-style: chr7-128846860-G-A. GRCh37 (hg19) VCF-style: chr7-128486914-G-A.
Other names: c.4243G>A, p.Gly1415Arg (NM_001127487.2); short protein forms G1415R.
Identifiers: ClinVar variation 2580666 (VCV002580666.1), dbSNP rs2536643734, ClinGen allele CA369200815.
Genomic context (GRCh38, chr7:128,846,860, plus strand): 5'-ATGTCCTGCAAGGACAACAAGGATGGTAGCTGCACCGTGGAGTACATCCCCTTCACTCCT[G>A]GAGACTATGACGTCAACATCACCTTCGGGGGGCGGCCCATCCCAGGTGTGCAGAGAGAGT-3'
Protein context (NP_001449.3, residues 1405-1425): CTVEYIPFTP[Gly1415Arg]DYDVNITFGG